The following is an entry in ClinVar:

ClinVar aggregate classification (germline): Pathogenic (1 of 4 stars; one submission).

Conditions:
FYCO1-related disorder. Also called: FYCO1-related condition.

Allele frequency attached by ClinVar (database versions not stated): TOPMed 0.00003; ESP Exome Variant Server 0.00008.
gnomAD v4.1: 14 of 1,614,044 alleles (0.00087%); highest among the groups gnomAD compares: African/African-American, 0.0013%; no homozygotes.

Submission:

PreventionGenetics, part of Exact Sciences
Classification: Pathogenic for FYCO1-related condition. Last evaluated: 2023-07-14. Review status: criteria provided, single submitter. Criteria: ACMG Guidelines, 2015. Collection method: clinical testing. Allele origin: germline.
Comment: The FYCO1 c.3670C>T variant is predicted to result in premature protein termination (p.Arg1224*). This variant was reported in an individual with congenital cataracts (Gillespie et al. 2014. PubMed ID: 25148791). This variant has not been reported in a large population database, indicating this variant is rare. Nonsense variants in FYCO1 are expected to be pathogenic. This variant is interpreted as pathogenic.

NM_024513.4(FYCO1):c.3670C>T (p.Arg1224Ter)

Gene: FYCO1 (FYVE and coiled-coil domain autophagy adaptor 1; minus strand). Cytogenetic location: 3p21.31.
Variant type: single nucleotide variant.
Coding change: c.3670C>T on transcript NM_024513.4 (MANE Select); coding-DNA position 3670, C replaced by T.
Protein change: p.Arg1224Ter; replaces arginine 1224 with a stop codon.
Molecular consequence: nonsense. On other transcripts: non-coding transcript variant (1).
Genome position (GRCh38, 1-based): chr3:45,958,537, G>A on the plus strand (C>T on the coding strand, the complement: FYCO1 is on the minus strand). VCF-style: chr3-45958537-G-A. GRCh37 (hg19) VCF-style: chr3-46000029-G-A.
Other names: c.3670C>T, p.Arg1224Ter (NM_001386421.1, NM_001386422.1, NM_001386423.1 and 4 more transcripts); c.3550C>T, p.Arg1184Ter (NM_001386426.1); c.3526C>T, p.Arg1176Ter (NM_001386427.1); c.3070C>T, p.Arg1024Ter (NM_001386430.1); short protein forms R1024*, R1176*, R1184*, R1224*.
Identifiers: ClinVar variation 2636094 (VCV002636094.1), dbSNP rs372348872, ClinGen allele CA73674702.